The following is an entry in ClinVar:

NM_001384732.1(CPLANE1):c.8663+3A>C

Gene: CPLANE1 (ciliogenesis and planar polarity effector complex subunit 1; minus strand). Cytogenetic location: 5p13.2.
Variant type: single nucleotide variant.
Coding change: c.8663+3A>C on transcript NM_001384732.1 (MANE Select); 3 bases into the intron after coding-DNA position 8663, A replaced by C.
Molecular consequence: intron variant.
Genome position (GRCh38, 1-based): chr5:37,139,337, T>G on the plus strand (A>C on the coding strand, the complement: CPLANE1 is on the minus strand). VCF-style: chr5-37139337-T-G. GRCh37 (hg19) VCF-style: chr5-37139439-T-G.
Other names: c.8501+3A>C (NM_023073.4).
Identifiers: ClinVar variation 1986668 (VCV001986668.4), dbSNP rs2546990850, ClinGen allele CA2580073224.

ClinVar aggregate classification (germline): Uncertain significance (1 of 4 stars; one submission).

gnomAD v4.1: 2 of 1,305,474 alleles (0.00015%); highest among the groups gnomAD compares: Non-Finnish European, 0.00021%; no homozygotes.

Submission:

Labcorp Genetics (formerly Invitae), Labcorp
Classification: Uncertain significance. Last evaluated: 2022-10-13. Review status: criteria provided, single submitter. Criteria: Invitae Variant Classification Sherloc (09022015). Collection method: clinical testing. Allele origin: germline.
Comment: This variant has not been reported in the literature in individuals affected with CPLANE1-related conditions. Variants that disrupt the consensus splice site are a relatively common cause of aberrant splicing (PMID: 17576681, 9536098). Algorithms developed to predict the effect of sequence changes on RNA splicing suggest that this variant may disrupt the consensus splice site. In summary, the available evidence is currently insufficient to determine the role of this variant in disease. Therefore, it has been classified as a Variant of Uncertain Significance. This variant is not present in population databases (gnomAD no frequency). This sequence change falls in intron 44 of the CPLANE1 gene. It does not directly change the encoded amino acid sequence of the CPLANE1 protein. It affects a nucleotide within the consensus splice site.

Literature cited by the submitters: PubMed 17576681; PubMed 9536098.